The following is an entry in ClinVar:

NM_005477.3(HCN4):c.3148G>A (p.Gly1050Arg)

Gene: HCN4 (hyperpolarization activated cyclic nucleotide gated potassium channel 4; minus strand). Cytogenetic location: 15q24.1.
Variant type: single nucleotide variant.
Coding change: c.3148G>A on transcript NM_005477.3 (MANE Select); coding-DNA position 3148, G replaced by A.
Protein change: p.Gly1050Arg; replaces glycine 1050 with arginine.
Molecular consequence: missense variant.
Genome position (GRCh38, 1-based): chr15:73,322,945, C>T on the plus strand (G>A on the coding strand, the complement: HCN4 is on the minus strand). VCF-style: chr15-73322945-C-T. GRCh37 (hg19) VCF-style: chr15-73615286-C-T.
Other names: short protein forms G1050R.
Identifiers: ClinVar variation 807287 (VCV000807287.24), dbSNP rs1443227484, ClinGen allele CA393086121.
Genomic context (GRCh38, chr15:73,322,945, plus strand): 5'-CCCGGCGCTGGGGGACCTGGGGTGGTGGGGGGCTGGATGCAGGTGGCAGGAGCAAGGATC[C>T]GTGGGAGCCAGAGGCCCGGGGCGGGGCACTCGGGAAGGTTCTTGGGGGGCCTGGGCTGTG-3'
Protein context (NP_005468.1, residues 1040-1060): SAPPRASGSH[Gly1050Arg]SLLLPPASSP

ClinVar aggregate classification (germline): Uncertain significance. Review status: criteria provided, multiple submitters, no conflicts (2 of 4 stars). 4 submissions from 4 submitters: Uncertain significance (4). Last evaluated 2025-11-06.

Conditions:
Cardiovascular phenotype. Identifiers: MedGen CN230736.
Brugada syndrome 8 (BRGDA8). Identifiers: Orphanet 130, MedGen C2751083, MONDO:0013148, OMIM 613123.
Epilepsy, idiopathic generalized, susceptibility to, 18. Identifiers: MedGen C5561983, MONDO:0030434, OMIM 619521.
Sick sinus syndrome 2, autosomal dominant (SSS2). Also called: SINUS BRADYCARDIA SYNDROME, FAMILIAL, AUTOSOMAL DOMINANT; SINUS NODE DISEASE, FAMILIAL, AUTOSOMAL DOMINANT; ATRIAL FIBRILLATION WITH BRADYARRHYTHMIA; SICK SINUS SYNDROME 2; SICK SINUS SYNDROME 2 WITH OR WITHOUT CARDIAC NONCOMPACTION AND/OR ASCENDING AORTA DILATION. Identifiers: Orphanet 166282, MedGen C1834144, MONDO:0008102, OMIM 163800.

Allele frequency attached by ClinVar (database versions not stated): gnomAD 0.00002 and 0.00003; gnomAD exomes 0.00003; TOPMed 0.00005.

Submissions (4):

Labcorp Genetics (formerly Invitae), Labcorp
Classification: Uncertain significance for Brugada syndrome 8. Last evaluated: 2025-11-06. Review status: criteria provided, single submitter. Criteria: Invitae Variant Classification Sherloc (09022015). Collection method: clinical testing. Allele origin: germline.
Comment: This sequence change replaces glycine, which is neutral and non-polar, with arginine, which is basic and polar, at codon 1050 of the HCN4 protein (p.Gly1050Arg). This variant is present in population databases (no rsID available, gnomAD 0.02%). This variant has not been reported in the literature in individuals affected with HCN4-related conditions. ClinVar contains an entry for this variant (Variation ID: 807287). Invitae Evidence Modeling of protein sequence and biophysical properties (such as structural, functional, and spatial information, amino acid conservation, physicochemical variation, residue mobility, and thermodynamic stability) indicates that this missense variant is not expected to disrupt HCN4 protein function with a negative predictive value of 95%. In summary, the available evidence is currently insufficient to determine the role of this variant in disease. Therefore, it has been classified as a Variant of Uncertain Significance.

Ambry Genetics
Classification: Uncertain significance for Cardiovascular phenotype. Last evaluated: 2025-05-21. Review status: criteria provided, single submitter. Criteria: Ambry Variant Classification Scheme 2023. Collection method: clinical testing. Allele origin: germline.

Women's Health and Genetics/Laboratory Corporation of America, LabCorp
Classification: Uncertain significance. Last evaluated: 2025-04-04. Review status: criteria provided, single submitter. Criteria: LabCorp Variant Classification Summary - May 2015. Collection method: clinical testing. Allele origin: germline.
Comment: Variant summary: HCN4 c.3148G>A (p.Gly1050Arg) results in a non-conservative amino acid change in the encoded protein sequence. Two of four in-silico tools predict a benign effect of the variant on protein function. The variant allele was found at a frequency of 3.2e-05 in 62714 control chromosomes (gnomAD). The available data on variant occurrences in the general population are insufficient to allow any conclusion about variant significance. To our knowledge, no occurrence of c.3148G>A in individuals affected with Sick Sinus Syndrome 2 and no experimental evidence demonstrating its impact on protein function have been reported. ClinVar contains an entry for this variant (Variation ID: 807287). Based on the evidence outlined above, the variant was classified as uncertain significance.

Fulgent Genetics
Classification: Uncertain significance for Sick sinus syndrome 2, autosomal dominant; Brugada syndrome 8; Epilepsy, idiopathic generalized, susceptibility to, 18. Last evaluated: 2021-08-23. Review status: criteria provided, single submitter. Criteria: ACMG Guidelines, 2015. Collection method: clinical testing. Allele origin: unknown.